The following is an entry in ClinVar:

NM_000193.4(SHH):c.909G>A (p.Ala303=)

Gene: SHH (sonic hedgehog signaling molecule; minus strand). Cytogenetic location: 7q36.3.
Variant type: single nucleotide variant.
Coding change: c.909G>A on transcript NM_000193.4 (MANE Select); coding-DNA position 909, G replaced by A.
Protein change: p.Ala303=; no amino-acid change (alanine 303 retained).
Molecular consequence: synonymous variant. On other transcripts: intron variant (1).
Genome position (GRCh38, 1-based): chr7:155,803,380, C>T on the plus strand (G>A on the coding strand, the complement: SHH is on the minus strand). VCF-style: chr7-155803380-C-T. GRCh37 (hg19) VCF-style: chr7-155596074-C-T.
Other names: c.301+2916G>A (NM_001310462.2).
Identifiers: ClinVar variation 508829 (VCV000508829.6), dbSNP rs764118631, ClinGen allele CA4586932.

ClinVar aggregate classification (germline): Likely benign. Review status: criteria provided, multiple submitters, no conflicts (2 of 4 stars). 2 submissions from 2 submitters: Likely benign (2). Last evaluated 2022-10-10.

Conditions:
Holoprosencephaly 3 (HPE3). Identifiers: Orphanet 2162, MedGen C1840529, MONDO:0007733, OMIM 142945.

Allele frequency attached by ClinVar (database versions not stated): gnomAD 0.00001 and 0.00002; TOPMed 0.00002; gnomAD exomes 0.00004; 1000 Genomes Project 30x 0.00016; ExAC 0.00019.
gnomAD v4.1: 22 of 1,470,396 alleles (0.0015%); highest among the groups gnomAD compares: East Asian, 0.0027%; no homozygotes.

Submissions (2):

Labcorp Genetics (formerly Invitae), Labcorp
Classification: Likely benign for Holoprosencephaly 3. Last evaluated: 2022-10-10. Review status: criteria provided, single submitter. Criteria: Invitae Variant Classification Sherloc (09022015). Collection method: clinical testing. Allele origin: germline.

GeneDx
Classification: Likely benign. Last evaluated: 2017-04-10. Review status: criteria provided, single submitter. Criteria: GeneDx Variant Classification (06012015). Collection method: clinical testing. Allele origin: germline. Affected: yes.
Comment: This variant is considered likely benign or benign based on one or more of the following criteria: it is a conservative change, it occurs at a poorly conserved position in the protein, it is predicted to be benign by multiple in silico algorithms, and/or has population frequency not consistent with disease.